The following is an entry in ClinVar:

ClinVar aggregate classification (germline): Benign. Review status: criteria provided, multiple submitters, no conflicts (2 of 4 stars). 9 submissions from 9 submitters: Benign (8). 1 of the submissions does not count toward it. Last evaluated 2025-12-07.

Conditions:
ANK2-related disorder. Also called: ANK2-related condition.
Cardiovascular phenotype. Identifiers: MedGen CN230736.
Long QT syndrome (LQTS). Identifiers: MedGen C0023976, MeSH D008133, MONDO:0002442. Disease mechanism: loss of function. Inheritance: Various modes of inheritance.
Cardiac arrhythmia, ankyrin-B-related. Also called: ANKYRIN-B SYNDROME. Identifiers: Orphanet 101016, Orphanet 768, MedGen C1970119, MONDO:0010958, OMIM 600919.

Allele frequency attached by ClinVar (database versions not stated): ExAC 0.00304; 1000 Genomes Project 30x 0.00562; 1000 Genomes Project 0.00599; gnomAD 0.00002 and 0.00099; TOPMed 0.00015; gnomAD exomes 0.00263.
gnomAD v4.1: 2,263 of 1,614,016 alleles (0.14%); highest among the groups gnomAD compares: South Asian, 2.3%; 41 homozygotes.

Submissions (9):

Labcorp Genetics (formerly Invitae), Labcorp
Classification: Benign for Long QT syndrome. Last evaluated: 2025-12-07. Review status: criteria provided, single submitter. Criteria: Invitae Variant Classification Sherloc (09022015). Collection method: clinical testing. Allele origin: germline.

Molecular Diagnostic Laboratory for Inherited Cardiovascular Disease, Montreal Heart Institute
Classification: Benign. Last evaluated: 2025-04-09. Review status: criteria provided, single submitter. Criteria: ACMG Guidelines, 2015. Collection method: clinical testing. Allele origin: germline. Affected: no.

Fulgent Genetics
Classification: Benign for Cardiac arrhythmia, ankyrin-B-related. Last evaluated: 2022-05-02. Review status: criteria provided, single submitter. Criteria: ACMG Guidelines, 2015. Collection method: clinical testing. Allele origin: unknown.

Genome-Nilou Lab
Classification: Benign for Cardiac arrhythmia, ankyrin-B-related. Last evaluated: 2021-12-05. Review status: criteria provided, single submitter. Criteria: ACMG Guidelines, 2015. Collection method: clinical testing. Allele origin: germline. Affected: no.

GeneDx
Classification: Benign. Last evaluated: 2019-08-13. Review status: criteria provided, single submitter. Criteria: GeneDx Variant Classification Process June 2021. Collection method: clinical testing. Allele origin: germline. Affected: yes.

Illumina Laboratory Services, Illumina
Classification: Benign for Cardiac arrhythmia, ankyrin-B-related. Last evaluated: 2018-01-13. Review status: criteria provided, single submitter. Criteria: ICSL Variant Classification Criteria 13 December 2019. Collection method: clinical testing. Allele origin: germline.
Comment: This variant was observed in the ICSL laboratory as part of a predisposition screen in an ostensibly healthy population. It had not been previously curated by ICSL or reported in the Human Gene Mutation Database (HGMD: prior to June 1st, 2018), and was therefore a candidate for classification through an automated scoring system. Utilizing variant allele frequency, disease prevalence and penetrance estimates, and inheritance mode, an automated score was calculated to assess if this variant is too frequent to cause the disease. Based on the score and internal cut-off values, a variant classified as benign is not then subjected to further curation. The score for this variant resulted in a classification of benign for this disease.

Women's Health and Genetics/Laboratory Corporation of America, LabCorp
Classification: Benign. Last evaluated: 2017-03-27. Review status: criteria provided, single submitter. Criteria: LabCorp Variant Classification Summary - May 2015. Collection method: clinical testing. Allele origin: germline.
Comment: Variant summary: The ANK2 c.5715G>A (p.Ser1905Ser) variant involves the alteration of a non-conserved nucleotide, resulting in a synonymous change. One in silico tool predicts a benign outcome for this variant. 5/5 splice prediction tools predict no significant impact on normal splicing. ESE finder predicts that this variant may affect ESE sites. However, these predictions have yet to be confirmed by functional studies. This variant was found in 368/121242 control chromosomes (6 homozygotes) at a frequency of 0.0030353, which is approximately 304 times the estimated maximal expected allele frequency of a pathogenic ANK2 variant (0.00001), suggesting this variant is likely a benign polymorphism. In addition, multiple clinical diagnostic laboratories/reputable databases classified this variant as likely benign. Taken together, this variant is classified as benign.

Ambry Genetics
Classification: Benign for Cardiovascular phenotype. Last evaluated: 2016-07-06. Review status: criteria provided, single submitter. Criteria: Ambry Variant Classification Scheme 2023. Collection method: clinical testing. Allele origin: germline.

PreventionGenetics, part of Exact Sciences
Classification: Benign for ANK2-related condition. Last evaluated: 2019-03-19. Review status: no assertion criteria provided. Collection method: clinical testing. Allele origin: germline. Not counted in ClinVar's aggregate classification.
Comment: This variant is classified as benign based on ACMG/AMP sequence variant interpretation guidelines (Richards et al. 2015 PMID: 25741868, with internal and published modifications).

NM_001148.6(ANK2):c.5715G>A (p.Ser1905=)

Genes: ANK2 (ankyrin 2; plus strand), LOC126807136 (MED14-independent group 3 enhancer GRCh37_chr4:114274931-114276130; plus strand). Cytogenetic location: 4q26.
Variant type: single nucleotide variant.
Coding change: c.5715G>A on transcript NM_001148.6 (MANE Select); coding-DNA position 5715, G replaced by A.
Protein change: p.Ser1905=; no amino-acid change (serine 1905 retained).
Molecular consequence: synonymous variant. On other transcripts: intron variant (68).
Genome position (GRCh38, 1-based): chr4:113,354,333, G>A. VCF-style: chr4-113354333-G-A. GRCh37 (hg19) VCF-style: chr4-114275489-G-A.
Other names: c.4471+4084G>A (NM_001386144.1, NM_001354240.2, NM_001354241.2); c.1990+4084G>A (NM_001354279.2, NM_001354282.2); c.1975+4084G>A (NM_001354280.2); c.1954+4084G>A (NM_001354278.2, NM_001354281.2); c.826+4084G>A (NM_001386167.1); c.5481G>A, p.Ser1827= (NM_001386142.1); c.2115G>A, p.Ser705= (NM_001386166.1); c.5856G>A, p.Ser1952= (NM_001386174.1); and 36 more.
Identifiers: ClinVar variation 35689 (VCV000035689.28), dbSNP rs143404578, ClinGen allele CA213527.